The following is an entry in ClinVar:

ClinVar aggregate classification (germline): Uncertain significance. Review status: criteria provided, multiple submitters, no conflicts (2 of 4 stars). 3 submissions from 3 submitters: Uncertain significance (3). Last evaluated 2025-08-19.

Conditions:
Hypogonadotropic hypogonadism 3 with or without anosmia (HH3). Also called: HYPOGONADOTROPIC HYPOGONADISM 3 WITH ANOSMIA; PROKR2-Related GnRH Deficiency (Kallmann Syndrome 3). Identifiers: Orphanet 478, MedGen C3550478, MONDO:0009482, OMIM 244200.
Inborn genetic diseases. Identifiers: MedGen C0950123, MeSH D030342.

gnomAD v4.1: 34 of 1,614,100 alleles (0.0021%); highest among the groups gnomAD compares: South Asian, 0.035%; no homozygotes.

Submissions (3):

Ambry Genetics
Classification: Uncertain significance for Inborn genetic diseases. Last evaluated: 2025-08-19. Review status: criteria provided, single submitter. Criteria: Ambry Variant Classification Scheme 2023. Collection method: clinical testing. Allele origin: germline.

Women's Health and Genetics/Laboratory Corporation of America, LabCorp
Classification: Uncertain significance. Last evaluated: 2025-05-14. Review status: criteria provided, single submitter. Criteria: LabCorp Variant Classification Summary - May 2015. Collection method: clinical testing. Allele origin: germline.
Comment: Variant summary: PROKR2 c.70C>T (p.Leu24Phe) results in a non-conservative amino acid change in the encoded protein sequence. Algorithms developed to predict the effect of missense changes on protein structure and function are either unavailable or do not agree on the potential impact of this missense change. The variant allele was found at a frequency of 3.6e-05 in 251472 control chromosomes (gnomAD). The available data on variant occurrences in the general population are insufficient to allow any conclusion about variant significance. To our knowledge, no occurrence of c.70C>T in individuals affected with Kallmann Syndrome 3 and no experimental evidence demonstrating its impact on protein function have been reported. ClinVar contains an entry for this variant (Variation ID: 3587534). Based on the evidence outlined above, the variant was classified as uncertain significance.

Fulgent Genetics
Classification: Uncertain significance for Hypogonadotropic hypogonadism 3 with or without anosmia. Last evaluated: 2024-02-08. Review status: criteria provided, single submitter. Criteria: ACMG Guidelines, 2015. Collection method: clinical testing. Allele origin: germline.

NM_144773.4(PROKR2):c.70C>T (p.Leu24Phe)

Gene: PROKR2 (prokineticin receptor 2; minus strand). Cytogenetic location: 20p12.3.
Variant type: single nucleotide variant.
Coding change: c.70C>T on transcript NM_144773.4 (MANE Select); coding-DNA position 70, C replaced by T.
Protein change: p.Leu24Phe; replaces leucine 24 with phenylalanine.
Molecular consequence: missense variant.
Genome position (GRCh38, 1-based): chr20:5,314,300, G>A on the plus strand (C>T on the coding strand, the complement: PROKR2 is on the minus strand). VCF-style: chr20-5314300-G-A. GRCh37 (hg19) VCF-style: chr20-5294946-G-A.
Other names: c.70C>T (NM_144773.2); short protein forms L24F.
Identifiers: ClinVar variation 3587534 (VCV003587534.3).